The following is an entry in ClinVar:

ClinVar aggregate classification (germline): Uncertain significance (1 of 4 stars; one submission).

Submission:

GeneDx
Classification: Uncertain significance. Last evaluated: 2022-06-01. Review status: criteria provided, single submitter. Criteria: GeneDx Variant Classification Process June 2021. Collection method: clinical testing. Allele origin: germline. Affected: yes.
Comment: Not observed at significant frequency in large population cohorts (gnomAD); In silico analysis supports that this missense variant has a deleterious effect on protein structure/function; Has not been previously published as pathogenic or benign to our knowledge

NM_015386.3(COG4):c.727C>T (p.Leu243Phe)

Gene: COG4 (component of oligomeric golgi complex 4; minus strand). Cytogenetic location: 16q22.1.
Variant type: single nucleotide variant.
Coding change: c.727C>T on transcript NM_015386.3 (MANE Select); coding-DNA position 727, C replaced by T.
Protein change: p.Leu243Phe; replaces leucine 243 with phenylalanine.
Molecular consequence: missense variant. On other transcripts: non-coding transcript variant (1).
Genome position (GRCh38, 1-based): chr16:70,512,250, G>A on the plus strand (C>T on the coding strand, the complement: COG4 is on the minus strand). VCF-style: chr16-70512250-G-A. GRCh37 (hg19) VCF-style: chr16-70546153-G-A.
Other names: c.715C>T, p.Leu239Phe (NM_001195139.2); c.301C>T, p.Leu101Phe (NM_001365426.1); short protein forms L101F, L239F, L243F.
Identifiers: ClinVar variation 1806816 (VCV001806816.1), dbSNP rs2507536645, ClinGen allele CA396576688.
Genomic context (GRCh38, chr16:70,512,250, plus strand): 5'-GCAGGCAGACAGCCACACAATTATCCTGCCAAGCAATCAGGGTCCATACCTGCTTGCAAA[G>A]GTACTCCGAGAACTTTCTTAATCCCTCCTCATGCAAACCCAGCAGTGGGAAGATCTTGAA-3'
Protein context (NP_056201.2, residues 233-253): EEGLRKFSEY[Leu243Phe]CKQVASKAEE